The following is an entry in ClinVar:

NM_004655.4(AXIN2):c.1466_1478del (p.Pro489fs)

Gene: AXIN2 (axin 2; minus strand). Cytogenetic location: 17q24.1.
Variant type: Deletion.
Coding change: c.1466_1478del on transcript NM_004655.4 (MANE Select); coding-DNA positions 1466 to 1478, 13 bases deleted (CCGCGGCCGCCTC).
Protein change: p.Pro489fs; shifts the reading frame from proline 489.
Molecular consequence: frameshift variant.
Genome position (GRCh38, 1-based): chr17:65,537,558-65,537,570, GAGGCGGCCGCGG deleted on the plus strand (CCGCGGCCGCCTC on the coding strand, the reverse complement: AXIN2 is on the minus strand); deleting any 13 consecutive bases within chr17:65,537,558-65,537,575 gives the same sequence; the c. name uses the placement nearest the transcript's 3' end. VCF-style (leftmost placement, unchanged base first): chr17-65537557-CGAGGCGGCCGCGG-C. GRCh37 (hg19) VCF-style: chr17-63533675-CGAGGCGGCCGCGG-C.
Other names: c.1466_1478del13 (NM_004655.3); c.1466_1478del, p.Pro489fs (NM_001363813.1); short protein forms P489fs.
Identifiers: ClinVar variation 1773248 (VCV001773248.3), dbSNP rs2509414313, ClinGen allele CA2580094723.

ClinVar aggregate classification (germline): Pathogenic. Review status: criteria provided, multiple submitters, no conflicts (2 of 4 stars). 2 submissions from 2 submitters: Pathogenic (2). Last evaluated 2026-03-31.

Conditions:
Oligodontia-cancer predisposition syndrome. Also called: TOOTH AGENESIS-COLORECTAL CANCER SYNDROME. Identifiers: Orphanet 300576, MedGen C1837750, MONDO:0012075, OMIM 608615. Disease mechanism: loss of function.
Hereditary cancer-predisposing syndrome. Also called: Hereditary neoplastic syndrome; Neoplastic Syndromes, Hereditary; Tumor predisposition; Hereditary Cancer Syndrome. Identifiers: Orphanet 140162, MedGen C0027672, MeSH D009386, MONDO:0015356.

Submissions (2):

Myriad Genetics, Inc.
Classification: Pathogenic for Oligodontia-cancer predisposition syndrome. Last evaluated: 2026-03-31. Review status: criteria provided, single submitter. Criteria: Myriad Autosomal Dominant, Autosomal Recessive and X-Linked Classification Criteria (2023). Collection method: clinical testing. Allele origin: unknown.
Comment: This variant is considered pathogenic. This variant creates a frameshift predicted to result in premature protein truncation.

Ambry Genetics
Classification: Pathogenic for Hereditary cancer-predisposing syndrome. Last evaluated: 2022-09-16. Review status: criteria provided, single submitter. Criteria: Ambry Variant Classification Scheme 2023. Collection method: clinical testing. Allele origin: germline.
Comment: The c.1466_1478del13 pathogenic mutation, located in coding exon 5 of the AXIN2 gene, results from a deletion of 13 nucleotides at nucleotide positions 1466 to 1478, causing a translational frameshift with a predicted alternate stop codon (p.P489Rfs*14). This variant is considered to be rare based on population cohorts in the Genome Aggregation Database (gnomAD). This alteration is expected to result in loss of function by premature protein truncation or nonsense-mediated mRNA decay. As such, this alteration is interpreted as a disease-causing mutation.